The following is an entry in ClinVar:

NC_000002.11:g.(?_179517005)_(179517288_?)del

Gene: TTN (titin; minus strand). Cytogenetic location: 2q31.2.
Variant type: Deletion.
Identifiers: ClinVar variation 2424046 (VCV002424046.6).

ClinVar aggregate classification (germline): Uncertain significance (1 of 4 stars; one submission).

Conditions:
Dilated cardiomyopathy 1G (CMD1G). Identifiers: Orphanet 154, MedGen C1858763, MONDO:0011400, OMIM 604145.
Autosomal recessive limb-girdle muscular dystrophy type 2J (LGMDR10). Also called: MUSCULAR DYSTROPHY, LIMB-GIRDLE, AUTOSOMAL RECESSIVE 10; Limb-girdle muscular dystrophy, type 2J. Identifiers: Orphanet 140922, MedGen C1837342, MONDO:0012127, OMIM 608807.

Submission:

Labcorp Genetics (formerly Invitae), Labcorp
Classification: Uncertain significance for Dilated cardiomyopathy 1G; Autosomal recessive limb-girdle muscular dystrophy type 2J. Last evaluated: 2022-08-12. Review status: criteria provided, single submitter. Criteria: Invitae Variant Classification Sherloc (09022015). Collection method: clinical testing. Allele origin: germline.
Comment: This variant disrupts the I band of TTN (PMID: 25589632). Copy number variants in TTN have been previously reported in individuals affected with neuromuscular disorders (PMID: 29792937, 30238059), but the functional significance of this variant is currently unknown. In summary, the available evidence is currently insufficient to determine the role of this variant in disease. Therefore, it has been classified as a Variant of Uncertain Significance. This variant has not been reported in the literature in individuals affected with TTN-related conditions. This variant results in the deletion of exon 202 and part of exon 203 (c.39044-?_39197del) of the TTN gene. This deletion extends beyond the assayed region for this gene. It is expected to disrupt RNA splicing and likely results in a truncated or disrupted TTN protein.

Literature cited by the submitters: PubMed 25589632; PubMed 29792937; PubMed 30238059.